The following is an entry in ClinVar:

ClinVar aggregate classification (germline): Uncertain significance (1 of 4 stars; one submission).

Conditions:
Cystic fibrosis (CF). Also called: MUCOVISCIDOSIS. Identifiers: Orphanet 586, MedGen C0010674, MONDO:0009061, OMIM 219700. Disease mechanism: loss of function.

gnomAD v4.1: 1 of 1,606,448 alleles (0.000062%); no homozygotes.

Submission:

Ambry Genetics
Classification: Uncertain significance for Cystic fibrosis. Last evaluated: 2023-10-23. Review status: criteria provided, single submitter. Criteria: Ambry Variant Classification Scheme 2023. Collection method: clinical testing. Allele origin: germline.
Comment: The p.D1312H variant (also known as c.3934G>C), located in coding exon 24 of the CFTR gene, results from a G to C substitution at nucleotide position 3934. The aspartic acid at codon 1312 is replaced by histidine, an amino acid with similar properties. This amino acid position is conserved. In addition, this alteration is predicted to be deleterious by in silico analysis. Since supporting evidence is limited at this time, the clinical significance of this alteration remains unclear.

NM_000492.4(CFTR):c.3934G>C (p.Asp1312His)

Gene: CFTR (CF transmembrane conductance regulator; plus strand). Cytogenetic location: 7q31.2.
Variant type: single nucleotide variant.
Coding change: c.3934G>C on transcript NM_000492.4 (MANE Select); coding-DNA position 3934, G replaced by C.
Protein change: p.Asp1312His; replaces aspartic acid 1312 with histidine.
Molecular consequence: missense variant.
Genome position (GRCh38, 1-based): chr7:117,652,902, G>C. VCF-style: chr7-117652902-G-C. GRCh37 (hg19) VCF-style: chr7-117292956-G-C.
Other names: short protein forms D1312H.
Identifiers: ClinVar variation 3231904 (VCV003231904.1), dbSNP rs1793109904, ClinGen allele CA368978496.